The following is an entry in ClinVar:

NM_018940.4(PCDHB7):c.1542T>C (p.Phe514=)

Genes: PCDHB7 (protocadherin beta 7; plus strand), PCDHB@ (protocadherin beta cluster; plus strand). Cytogenetic location: 5q31.3.
Variant type: single nucleotide variant.
Coding change: c.1542T>C on transcript NM_018940.4 (MANE Select); coding-DNA position 1542, T replaced by C.
Protein change: p.Phe514=; no amino-acid change (phenylalanine 514 retained).
Molecular consequence: synonymous variant.
Genome position (GRCh38, 1-based): chr5:141,174,377, T>C. VCF-style: chr5-141174377-T-C. GRCh37 (hg19) VCF-style: chr5-140553958-T-C.
Identifiers: ClinVar variation 3387988 (VCV003387988.14).

ClinVar aggregate classification (germline): Likely benign (1 of 4 stars; one submission).

Submission:

CeGaT Center for Human Genetics Tuebingen
Classification: Likely benign. Last evaluated: 2024-10-01. Review status: criteria provided, single submitter. Criteria: CeGaT Center For Human Genetics Tuebingen Variant Classification Criteria Version 2. Collection method: clinical testing. Allele origin: germline. Affected: yes. Observed: 1 variant allele.
Comment: PCDHB7: BP4, BP7, BS2